The following is an entry in ClinVar:

ClinVar aggregate classification (germline): Likely pathogenic (1 of 4 stars; one submission).

Conditions:
HOXA2-related disorder. Also called: HOXA2-related condition.

Submission:

PreventionGenetics, part of Exact Sciences
Classification: Likely pathogenic for HOXA2-related condition. Last evaluated: 2025-11-29. Review status: criteria provided, single submitter. Criteria: ACMG Guidelines, 2015. Collection method: clinical testing. Allele origin: germline.
Comment: The HOXA2 c.289delT variant is predicted to result in a frameshift and premature protein termination (p.Trp97Glyfs*2). To our knowledge, this variant has not been reported in the literature or in a large population database (gnomAD), indicating this variant is rare. Frameshift variants in HOXA2 are expected to be pathogenic. This variant is interpreted as likely pathogenic.

NM_006735.4(HOXA2):c.289del (p.Trp97fs)

Gene: HOXA2 (homeobox A2; minus strand). Cytogenetic location: 7p15.2.
Variant type: Deletion.
Coding change: c.289del on transcript NM_006735.4 (MANE Select); coding-DNA position 289, one base deleted (T; older notation c.289delT).
Protein change: p.Trp97fs; shifts the reading frame from tryptophan 97.
Molecular consequence: frameshift variant.
Genome position (GRCh38, 1-based): chr7:27,102,212, A deleted on the plus strand (T on the coding strand, the reverse complement: HOXA2 is on the minus strand). VCF-style (leftmost placement, unchanged base first): chr7-27102211-CA-C. GRCh37 (hg19) VCF-style: chr7-27141830-CA-C.
Other names: short protein forms W97fs.
Identifiers: ClinVar variation 4996235 (VCV004996235.1).